The following is an entry in ClinVar:

NM_173689.7(CRB2):c.2229G>T (p.Gln743His)

Gene: CRB2 (crumbs cell polarity complex component 2; plus strand). Cytogenetic location: 9q33.3.
Variant type: single nucleotide variant.
Coding change: c.2229G>T on transcript NM_173689.7 (MANE Select); coding-DNA position 2229, G replaced by T.
Protein change: p.Gln743His; replaces glutamine 743 with histidine.
Molecular consequence: missense variant. On other transcripts: non-coding transcript variant (1).
Genome position (GRCh38, 1-based): chr9:123,371,371, G>T. VCF-style: chr9-123371371-G-T. GRCh37 (hg19) VCF-style: chr9-126133650-G-T.
Other names: short protein forms Q743H.
Identifiers: ClinVar variation 1973817 (VCV001973817.5), dbSNP rs1354823166, ClinGen allele CA374865635.

ClinVar aggregate classification (germline): Uncertain significance (1 of 4 stars; one submission).

Allele frequency attached by ClinVar (database versions not stated): gnomAD exomes below 0.00001; gnomAD 0.00001; TOPMed 0.00001.
gnomAD v4.1: 2 of 1,604,660 alleles (0.00012%); highest among the groups gnomAD compares: Non-Finnish European, 0.00017%; no homozygotes.

Submission:

Labcorp Genetics (formerly Invitae), Labcorp
Classification: Uncertain significance. Last evaluated: 2023-08-17. Review status: criteria provided, single submitter. Criteria: Invitae Variant Classification Sherloc (09022015). Collection method: clinical testing. Allele origin: germline.
Comment: This sequence change replaces glutamine, which is neutral and polar, with histidine, which is basic and polar, at codon 743 of the CRB2 protein (p.Gln743His). This variant is not present in population databases (gnomAD no frequency). This variant has not been reported in the literature in individuals affected with CRB2-related conditions. ClinVar contains an entry for this variant (Variation ID: 1973817). Advanced modeling of protein sequence and biophysical properties (such as structural, functional, and spatial information, amino acid conservation, physicochemical variation, residue mobility, and thermodynamic stability) performed at Invitae indicates that this missense variant is expected to disrupt CRB2 protein function. In summary, the available evidence is currently insufficient to determine the role of this variant in disease. Therefore, it has been classified as a Variant of Uncertain Significance.